The following is an entry in ClinVar:

NC_000023.11:g.38275136G>A

Gene: RPGR (retinitis pigmentosa GTPase regulator; minus strand). Cytogenetic location: Xp11.4.
Variant type: single nucleotide variant.
Molecular consequence: missense variant (on NM_000328.3). On other transcripts: non-coding transcript variant (6).
Genome position: GRCh38 VCF-style: chrX-38275136-G-A. GRCh37 (hg19) VCF-style: chrX-38134389-G-A.
Other names: c.2102C>T, p.Ala701Val (NM_000328.3); c.2099C>T, p.Ala700Val (NM_001367245.1); c.1916C>T, p.Ala639Val (NM_001367246.1); c.1769C>T, p.Ala590Val (NM_001367247.1); c.1799C>T, p.Ala600Val (NM_001367248.1); c.1766C>T, p.Ala589Val (NM_001367249.1, NM_001367250.1); c.1583C>T, p.Ala528Val (NM_001367251.1); short protein forms A589V, A590V, A639V, A528V, A701V, A600V, A700V.
Identifiers: ClinVar variation 1970077 (VCV001970077.5), dbSNP rs768757205, ClinGen allele CA10385100.

ClinVar aggregate classification (germline): Uncertain significance (1 of 4 stars; one submission).

Conditions:
Primary ciliary dyskinesia. Also called: Ciliary dyskinesia. Identifiers: Orphanet 244, MedGen C0008780, MONDO:0016575, HP:0012265.

Allele frequency attached by ClinVar (database versions not stated): gnomAD exomes below 0.00001; ExAC 0.00001.
gnomAD v4.1: 2 of 1,208,065 alleles (0.00017%); highest among the groups gnomAD compares: Non-Finnish European, 0.00022%; no homozygotes.

Submission:

Labcorp Genetics (formerly Invitae), Labcorp
Classification: Uncertain significance for Primary ciliary dyskinesia. Last evaluated: 2024-11-05. Review status: criteria provided, single submitter. Criteria: Invitae Variant Classification Sherloc (09022015). Collection method: clinical testing. Allele origin: germline.
Comment: This sequence change replaces alanine, which is neutral and non-polar, with valine, which is neutral and non-polar, at codon 701 of the RPGR protein (p.Ala701Val). The frequency data for this variant in the population databases is considered unreliable, as metrics indicate poor data quality at this position in the gnomAD database. This variant has not been reported in the literature in individuals affected with RPGR-related conditions. ClinVar contains an entry for this variant (Variation ID: 1970077). Invitae Evidence Modeling of protein sequence and biophysical properties (such as structural, functional, and spatial information, amino acid conservation, physicochemical variation, residue mobility, and thermodynamic stability) indicates that this missense variant is not expected to disrupt RPGR protein function with a negative predictive value of 95%. In summary, the available evidence is currently insufficient to determine the role of this variant in disease. Therefore, it has been classified as a Variant of Uncertain Significance.